The following is an entry in ClinVar:

ClinVar aggregate classification (germline): Uncertain significance (1 of 4 stars; one submission).

gnomAD v4.1: 2 of 1,611,752 alleles (0.00012%); highest among the groups gnomAD compares: Non-Finnish European, 0.00017%; no homozygotes.

Submission:

GeneDx
Classification: Uncertain significance. Last evaluated: 2026-04-07. Review status: criteria provided, single submitter. Criteria: GeneDx Variant Classification Process June 2021. Collection method: clinical testing. Allele origin: germline.
Comment: Not observed at significant frequency in large population cohorts (gnomAD); In silico analysis supports that this missense variant has a deleterious effect on protein structure/function; Has not been previously published as pathogenic or benign to our knowledge

NM_006267.5(RANBP2):c.2038T>G (p.Tyr680Asp)

Gene: RANBP2 (RAN binding protein 2; plus strand). Cytogenetic location: 2q13.
Variant type: single nucleotide variant.
Coding change: c.2038T>G on transcript NM_006267.5 (MANE Select); coding-DNA position 2038, T replaced by G.
Protein change: p.Tyr680Asp; replaces tyrosine 680 with aspartic acid.
Molecular consequence: missense variant.
Genome position (GRCh38, 1-based): chr2:108,753,546, T>G. VCF-style: chr2-108753546-T-G. GRCh37 (hg19) VCF-style: chr2-109370002-T-G.
Other names: c.2038T>G, p.Tyr680Asp (NM_001415871.1, NM_001415873.1); c.2035T>G, p.Tyr679Asp (NM_001415872.1); short protein forms Y679D, Y680D.
Identifiers: ClinVar variation 5018208 (VCV005018208.1).